The following is an entry in ClinVar:

ClinVar aggregate classification (germline): Uncertain significance (1 of 4 stars; one submission).

Conditions:
Progressive encephalopathy with leukodystrophy due to DECR deficiency. Identifiers: Orphanet 431361, MedGen C1857252, MONDO:0014464, OMIM 616034.

Allele frequency attached by ClinVar (database versions not stated): gnomAD below 0.00001 and 0.00001; gnomAD exomes below 0.00001.
gnomAD v4.1: 5 of 1,147,960 alleles (0.00044%); highest among the groups gnomAD compares: South Asian, 0.0084%; no homozygotes.

Submission:

Labcorp Genetics (formerly Invitae), Labcorp
Classification: Uncertain significance for Progressive encephalopathy with leukodystrophy due to DECR deficiency. Last evaluated: 2020-04-02. Review status: criteria provided, single submitter. Criteria: Invitae Variant Classification Sherloc (09022015). Collection method: clinical testing. Allele origin: germline.
Comment: This sequence change replaces leucine with proline at codon 37 of the NADK2 protein (p.Leu37Pro). The leucine residue is weakly conserved and there is a moderate physicochemical difference between leucine and proline. The frequency data for this variant in the population databases is considered unreliable, as metrics indicate insufficient coverage at this position in the ExAC database. This variant has not been reported in the literature in individuals with NADK2-related conditions. Algorithms developed to predict the effect of missense changes on protein structure and function (SIFT, PolyPhen-2, Align-GVGD) all suggest that this variant is likely to be tolerated, but these predictions have not been confirmed by published functional studies and their clinical significance is uncertain. In summary, the available evidence is currently insufficient to determine the role of this variant in disease. Therefore, it has been classified as a Variant of Uncertain Significance.

NM_001085411.3(NADK2):c.110T>C (p.Leu37Pro)

Genes: NADK2 (NAD kinase 2, mitochondrial; minus strand), LOC129993801 (ATAC-STARR-seq lymphoblastoid silent region 15972; plus strand). Cytogenetic location: 5p13.2.
Variant type: single nucleotide variant.
Coding change: c.110T>C on transcript NM_001085411.3 (MANE Select); coding-DNA position 110, T replaced by C.
Protein change: p.Leu37Pro; replaces leucine 37 with proline.
Molecular consequence: missense variant. On other transcripts: intron variant (2).
Genome position (GRCh38, 1-based): chr5:36,241,689, A>G on the plus strand (T>C on the coding strand, the complement: NADK2 is on the minus strand). VCF-style: chr5-36241689-A-G. GRCh37 (hg19) VCF-style: chr5-36241791-A-G.
Other names: c.-190+407T>C (NM_153013.5, NM_001287341.2); short protein forms L37P.
Identifiers: ClinVar variation 1004885 (VCV001004885.9), dbSNP rs1748134531, ClinGen allele CA359447991.